The following is an entry in ClinVar:

ClinVar aggregate classification (germline): Uncertain significance (1 of 4 stars; one submission).

Conditions:
Immunodeficiency, common variable, 4. Also called: ANTIBODY DEFICIENCY DUE TO BAFFR DEFECT. Identifiers: Orphanet 1572, Orphanet 696925, MedGen C3150739, MONDO:0013284, OMIM 613494.

gnomAD v4.1: 1 of 1,612,546 alleles (0.000062%); highest among the groups gnomAD compares: Non-Finnish European, 0.000085%; no homozygotes.

Submission:

Labcorp Genetics (formerly Invitae), Labcorp
Classification: Uncertain significance for Immunodeficiency, common variable, 4. Last evaluated: 2024-07-17. Review status: criteria provided, single submitter. Criteria: Invitae Variant Classification Sherloc (09022015). Collection method: clinical testing. Allele origin: germline.
Comment: This sequence change replaces aspartic acid, which is acidic and polar, with glutamic acid, which is acidic and polar, at codon 120 of the TNFRSF13C protein (p.Asp120Glu). This variant is not present in population databases (gnomAD no frequency). This variant has not been reported in the literature in individuals affected with TNFRSF13C-related conditions. An algorithm developed to predict the effect of missense changes on protein structure and function outputs the following: PolyPhen-2: "Benign". The glutamic acid amino acid residue is found in multiple mammalian species, which suggests that this missense change does not adversely affect protein function. In summary, the available evidence is currently insufficient to determine the role of this variant in disease. Therefore, it has been classified as a Variant of Uncertain Significance.

NM_052945.4(TNFRSF13C):c.360C>A (p.Asp120Glu)

Gene: TNFRSF13C (TNF receptor superfamily member 13C; minus strand). Cytogenetic location: 22q13.2.
Variant type: single nucleotide variant.
Coding change: c.360C>A on transcript NM_052945.4 (MANE Select); coding-DNA position 360, C replaced by A.
Protein change: p.Asp120Glu; replaces aspartic acid 120 with glutamic acid.
Molecular consequence: missense variant.
Genome position (GRCh38, 1-based): chr22:41,926,108, G>T on the plus strand (C>A on the coding strand, the complement: TNFRSF13C is on the minus strand). VCF-style: chr22-41926108-G-T. GRCh37 (hg19) VCF-style: chr22-42322112-G-T.
Other names: short protein forms D120E.
Identifiers: ClinVar variation 3686274 (VCV003686274.2).